The following is an entry in ClinVar:

ClinVar aggregate classification (germline): Uncertain significance (1 of 4 stars; one submission).

Allele frequency attached by ClinVar (database versions not stated): gnomAD exomes 0.00001.
gnomAD v4.1: 4 of 1,608,352 alleles (0.00025%); highest among the groups gnomAD compares: South Asian, 0.0034%; no homozygotes.

Submission:

Labcorp Genetics (formerly Invitae), Labcorp
Classification: Uncertain significance. Last evaluated: 2022-03-15. Review status: criteria provided, single submitter. Criteria: Invitae Variant Classification Sherloc (09022015). Collection method: clinical testing. Allele origin: germline.
Comment: This variant is present in population databases (no rsID available, gnomAD 0.01%). This sequence change replaces glycine, which is neutral and non-polar, with serine, which is neutral and polar, at codon 488 of the TRAF3IP1 protein (p.Gly488Ser). This variant has not been reported in the literature in individuals affected with TRAF3IP1-related conditions. In summary, the available evidence is currently insufficient to determine the role of this variant in disease. Therefore, it has been classified as a Variant of Uncertain Significance. Algorithms developed to predict the effect of sequence changes on RNA splicing suggest that this variant may create or strengthen a splice site. Algorithms developed to predict the effect of missense changes on protein structure and function are either unavailable or do not agree on the potential impact of this missense change (SIFT: "Tolerated"; PolyPhen-2: "Possibly Damaging"; Align-GVGD: "Class C0").

NM_015650.4(TRAF3IP1):c.1462G>A (p.Gly488Ser)

Gene: TRAF3IP1 (TRAF3 interacting protein 1; plus strand). Cytogenetic location: 2q37.3.
Variant type: single nucleotide variant.
Coding change: c.1462G>A on transcript NM_015650.4 (MANE Select); coding-DNA position 1462, G replaced by A.
Protein change: p.Gly488Ser; replaces glycine 488 with serine.
Molecular consequence: missense variant.
Genome position (GRCh38, 1-based): chr2:238,352,837, G>A. VCF-style: chr2-238352837-G-A. GRCh37 (hg19) VCF-style: chr2-239261478-G-A.
Other names: c.1264G>A, p.Gly422Ser (NM_001139490.1); short protein forms G422S, G488S.
Identifiers: ClinVar variation 1392852 (VCV001392852.6), dbSNP rs1395795971, ClinGen allele CA351233168.